The following is an entry in ClinVar:

ClinVar aggregate classification (germline): Uncertain significance (1 of 4 stars; one submission).

Conditions:
Loeys-Dietz syndrome 2 (LDS2). Also called: Marfan syndrome, type 2 (formerly); MARFAN SYNDROME, TYPE II; Marfan Syndrome type 2; Marfan like connective tissue disorder; MFS 2; AORTIC ANEURYSM, FAMILIAL THORACIC 3. Identifiers: Orphanet 284973, Orphanet 558, MedGen C2674574, MONDO:0012427, OMIM 610168.

Allele frequency attached by ClinVar (database versions not stated): gnomAD exomes below 0.00001 and 0.00001; ExAC 0.00002; 1000 Genomes Project 30x 0.00016; 1000 Genomes Project 0.00020.
gnomAD v4.1: 1 of 1,613,796 alleles (0.000062%); highest among the groups gnomAD compares: Non-Finnish European, 0.000085%; no homozygotes.

Submission:

Labcorp Genetics (formerly Invitae), Labcorp
Classification: Uncertain significance for Loeys-Dietz syndrome 2. Last evaluated: 2021-04-23. Review status: criteria provided, single submitter. Criteria: Invitae Variant Classification Sherloc (09022015). Collection method: clinical testing. Allele origin: germline.
Comment: In summary, the available evidence is currently insufficient to determine the role of this variant in disease. Therefore, it has been classified as a Variant of Uncertain Significance. Algorithms developed to predict the effect of missense changes on protein structure and function are either unavailable or do not agree on the potential impact of this missense change (SIFT: "Deleterious"; PolyPhen-2: "Benign"; Align-GVGD: "Class C0"). This variant has not been reported in the literature in individuals with TMPO-related conditions. This variant is present in population databases (rs183244086, ExAC 0.01%). This sequence change replaces serine with phenylalanine at codon 159 of the TMPO protein (p.Ser159Phe). The serine residue is moderately conserved and there is a large physicochemical difference between serine and phenylalanine.

NM_001032283.3(TMPO):c.476C>T (p.Ser159Phe)

Gene: TMPO (thymopoietin; plus strand). Cytogenetic location: 12q23.1.
Variant type: single nucleotide variant.
Coding change: c.476C>T on transcript NM_001032283.3 (MANE Select); coding-DNA position 476, C replaced by T.
Protein change: p.Ser159Phe; replaces serine 159 with phenylalanine.
Molecular consequence: missense variant.
Genome position (GRCh38, 1-based): chr12:98,531,749, C>T. VCF-style: chr12-98531749-C-T. GRCh37 (hg19) VCF-style: chr12-98925527-C-T.
Other names: c.476C>T, p.Ser159Phe (NM_001032284.3, NM_001307975.2, NM_003276.2); short protein forms S159F.
Identifiers: ClinVar variation 1348219 (VCV001348219.8), dbSNP rs183244086, ClinGen allele CA6732212.
Genomic context (GRCh38, chr12:98,531,749, plus strand): 5'-GGAAGCTATATGAGAAAAAGCTTTTGAAACTGAGGGAACAAGGAACAGAATCAAGATCTT[C>T]TACTCCTCTGCCAACAATTTCTTCTTCAGCAGAAAATACAAGGCAGAATGGAAGTAATGA-3'
Protein context (NP_001027454.1, residues 149-169): LREQGTESRS[Ser159Phe]TPLPTISSSA